The following is an entry in ClinVar:

NM_006660.5(CLPX):c.513+4T>C

Gene: CLPX (caseinolytic mitochondrial matrix peptidase chaperone subunit X; minus strand). Cytogenetic location: 15q22.31.
Variant type: single nucleotide variant.
Coding change: c.513+4T>C on transcript NM_006660.5 (MANE Select); 4 bases into the intron after coding-DNA position 513, T replaced by C.
Molecular consequence: intron variant.
Genome position (GRCh38, 1-based): chr15:65,166,627, A>G on the plus strand (T>C on the coding strand, the complement: CLPX is on the minus strand). VCF-style: chr15-65166627-A-G. GRCh37 (hg19) VCF-style: chr15-65458965-A-G.
Identifiers: ClinVar variation 1423880 (VCV001423880.6), dbSNP rs761991581, ClinGen allele CA7614884.

ClinVar aggregate classification (germline): Uncertain significance (1 of 4 stars; one submission).

Allele frequency attached by ClinVar (database versions not stated): gnomAD 0.00001 and 0.00002; gnomAD exomes 0.00001 and 0.00002; ExAC 0.00002; TOPMed 0.00002.
gnomAD v4.1: 10 of 1,613,698 alleles (0.00062%); highest among the groups gnomAD compares: African/African-American, 0.0013%; no homozygotes.

Submission:

Labcorp Genetics (formerly Invitae), Labcorp
Classification: Uncertain significance. Last evaluated: 2021-04-03. Review status: criteria provided, single submitter. Criteria: Invitae Variant Classification Sherloc (09022015). Collection method: clinical testing. Allele origin: germline.
Comment: In summary, the available evidence is currently insufficient to determine the role of this variant in disease. Therefore, it has been classified as a Variant of Uncertain Significance. Nucleotide substitutions within the consensus splice site are a relatively common cause of aberrant splicing (PMID: 17576681, 9536098). Experimental studies and prediction algorithms are not available or were not evaluated, and the effect of this variant on mRNA splicing is currently unknown. This variant has not been reported in the literature in individuals with CLPX-related conditions. This variant is present in population databases (rs761991581, ExAC 0.003%). This sequence change falls in intron 4 of the CLPX gene. It does not directly change the encoded amino acid sequence of the CLPX protein. It affects a nucleotide within the consensus splice site of the intron.

Literature cited by the submitters: PubMed 17576681; PubMed 9536098.